The following is an entry in ClinVar:

NM_001267550.2(TTN):c.46823T>C (p.Leu15608Ser)

Genes: TTN-AS1 (TTN antisense RNA 1; plus strand), TTN (titin; minus strand). Cytogenetic location: 2q31.2.
Variant type: single nucleotide variant.
Coding change: c.46823T>C on transcript NM_001267550.2 (MANE Select); coding-DNA position 46823, T replaced by C.
Protein change: p.Leu15608Ser; replaces leucine 15608 with serine.
Molecular consequence: missense variant.
Genome position (GRCh38, 1-based): chr2:178,618,727, A>G on the plus strand (T>C on the coding strand, the complement: TTN is on the minus strand). VCF-style: chr2-178618727-A-G. GRCh37 (hg19) VCF-style: chr2-179483454-A-G.
Other names: c.19628T>C, p.Leu6543Ser (NM_003319.4); c.20003T>C, p.Leu6668Ser (NM_133432.3); c.20204T>C, p.Leu6735Ser (NM_133437.4); c.41900T>C, p.Leu13967Ser (NM_001256850.1); c.39119T>C, p.Leu13040Ser (NM_133378.4); short protein forms L15608S, L13040S, L6543S, L13967S, L6668S, L6735S.
Identifiers: ClinVar variation 47005 (VCV000047005.23), dbSNP rs397517588, ClinGen allele CA139739.

ClinVar aggregate classification (germline): Conflicting classifications of pathogenicity. Review status: criteria provided, conflicting classifications (1 of 4 stars). 5 submissions from 5 submitters: Uncertain significance (3); Likely benign (2). Last evaluated 2025-11-27.

Conditions:
Dilated cardiomyopathy 1G (CMD1G). Identifiers: Orphanet 154, MedGen C1858763, MONDO:0011400, OMIM 604145.
Autosomal recessive limb-girdle muscular dystrophy type 2J (LGMDR10). Also called: Limb-girdle muscular dystrophy, type 2J; MUSCULAR DYSTROPHY, LIMB-GIRDLE, AUTOSOMAL RECESSIVE 10. Identifiers: Orphanet 140922, MedGen C1837342, MONDO:0012127, OMIM 608807.

Allele frequency attached by ClinVar (database versions not stated): gnomAD below 0.00001 and 0.00003; TOPMed 0.00001; gnomAD exomes 0.00009 and 0.00019; ExAC 0.00021.
gnomAD v4.1: 144 of 1,611,904 alleles (0.0089%); highest among the groups gnomAD compares: South Asian, 0.14%; no homozygotes.

Submissions (5):

Labcorp Genetics (formerly Invitae), Labcorp
Classification: Likely benign for Dilated cardiomyopathy 1G; Autosomal recessive limb-girdle muscular dystrophy type 2J. Last evaluated: 2025-11-27. Review status: criteria provided, single submitter. Criteria: Invitae Variant Classification Sherloc (09022015). Collection method: clinical testing. Allele origin: germline.

Revvity Omics, Revvity
Classification: Uncertain significance. Last evaluated: 2024-12-24. Review status: criteria provided, single submitter. Criteria: ACMG Guidelines, 2015. Collection method: clinical testing. Allele origin: germline.

GeneDx
Classification: Likely benign. Last evaluated: 2020-06-05. Review status: criteria provided, single submitter. Criteria: GeneDx Variant Classification Process June 2021. Collection method: clinical testing. Allele origin: germline. Affected: yes.

Eurofins Ntd Llc (ga)
Classification: Uncertain significance. Last evaluated: 2015-06-29. Review status: criteria provided, single submitter. Criteria: EGL Classification Definitions 2015. Collection method: clinical testing. Allele origin: germline. Observed: 1 variant allele, 1 heterozygote.

Laboratory for Molecular Medicine, Mass General Brigham Personalized Medicine
Classification: Uncertain significance. Last evaluated: 2012-06-11. Review status: criteria provided, single submitter. Criteria: LMM Criteria. Collection method: clinical testing. Allele origin: germline. Observed: 1 variant allele.
Comment: The Leu13040Ser variant in TTN has not been reported in the literature nor previ ously identified by our laboratory. Computational analyses (biochemical amino ac id properties, conservation, AlignGVGD, PolyPhen2, and SIFT) do not provide stro ng support for or against pathogenicity. Additional information is needed to ful ly assess the clinical significance of this variant.